The following is an entry in ClinVar:

NM_001372.4(DNAH9):c.5260G>C (p.Val1754Leu)

Gene: DNAH9 (dynein axonemal heavy chain 9; plus strand). Cytogenetic location: 17p12.
Variant type: single nucleotide variant.
Coding change: c.5260G>C on transcript NM_001372.4 (MANE Select); coding-DNA position 5260, G replaced by C.
Protein change: p.Val1754Leu; replaces valine 1754 with leucine.
Molecular consequence: missense variant.
Genome position (GRCh38, 1-based): chr17:11,704,311, G>C. VCF-style: chr17-11704311-G-C. GRCh37 (hg19) VCF-style: chr17-11607628-G-C.
Other names: short protein forms V1754L.
Identifiers: ClinVar variation 1474484 (VCV001474484.8), dbSNP rs1485615851, ClinGen allele CA398184775.
Genomic context (GRCh38, chr17:11,704,311, plus strand): 5'-GCATTTGCCAGGCTGGAGGAAGGCTATGAGAGTGCCATGAAGGACTATTATAAGAAGCAA[G>C]TGGCCCAGCTCAAAACCCTTATCACCATGCTGATTGGCCAGCTCTCCAAGGGAGACCGGC-3'
Protein context (NP_001363.2, residues 1744-1764): SAMKDYYKKQ[Val1754Leu]AQLKTLITML

ClinVar aggregate classification (germline): Uncertain significance (1 of 4 stars; one submission).

Allele frequency attached by ClinVar (database versions not stated): gnomAD exomes below 0.00001 and 0.00001.
gnomAD v4.1: 4 of 1,614,202 alleles (0.00025%); highest among the groups gnomAD compares: Non-Finnish European, 0.00034%; no homozygotes.

Submission:

Labcorp Genetics (formerly Invitae), Labcorp
Classification: Uncertain significance. Last evaluated: 2022-11-29. Review status: criteria provided, single submitter. Criteria: Invitae Variant Classification Sherloc (09022015). Collection method: clinical testing. Allele origin: germline.
Comment: This sequence change replaces valine, which is neutral and non-polar, with leucine, which is neutral and non-polar, at codon 1754 of the DNAH9 protein (p.Val1754Leu). This variant is present in population databases (no rsID available, gnomAD 0.002%). This variant has not been reported in the literature in individuals affected with DNAH9-related conditions. ClinVar contains an entry for this variant (Variation ID: 1474484). Advanced modeling of protein sequence and biophysical properties (such as structural, functional, and spatial information, amino acid conservation, physicochemical variation, residue mobility, and thermodynamic stability) performed at Invitae indicates that this missense variant is not expected to disrupt DNAH9 protein function. In summary, the available evidence is currently insufficient to determine the role of this variant in disease. Therefore, it has been classified as a Variant of Uncertain Significance.